The following is an entry in ClinVar:

NM_000235.4(LIPA):c.854del (p.Pro285fs)

Gene: LIPA (lipase A, lysosomal acid type; minus strand). Cytogenetic location: 10q23.31.
Variant type: Deletion.
Coding change: c.854del on transcript NM_000235.4 (MANE Select); coding-DNA position 854, one base deleted (C; older notation c.854delC).
Protein change: p.Pro285fs; shifts the reading frame from proline 285.
Molecular consequence: frameshift variant.
Genome position (GRCh38, 1-based): chr10:89,222,551, G deleted on the plus strand (C on the coding strand, the reverse complement: LIPA is on the minus strand); the first of 2 consecutive G bases (chr10:89,222,551-89,222,552); deleting either gives the same sequence. VCF-style (leftmost placement, unchanged base first): chr10-89222550-AG-A. GRCh37 (hg19) VCF-style: chr10-90982307-AG-A.
Other names: c.854del, p.Pro285fs (NM_001127605.3); c.506del, p.Pro169fs (NM_001288979.2); short protein forms P285fs, P169fs.
Identifiers: ClinVar variation 1417455 (VCV001417455.8), dbSNP rs2133424815, ClinGen allele CA2573145914.

ClinVar aggregate classification (germline): Pathogenic (1 of 4 stars; one submission).

Conditions:
Wolman disease (WOLD). Also called: Wolman disease with hypolipoproteinemia and acanthocytosis; Acid cholesteryl ester hydrolase deficiency, Wolman type; Acid lipase disease; LYSOSOMAL ACID LIPASE DEFICIENCY, ACUTE INFANTILE; LYSOSOMAL ACID LIPASE DEFICIENCY, COMPLETE; LIPA DEFICIENCY, COMPLETE. Identifiers: Orphanet 75233, MedGen C0043208, MONDO:0019148, OMIM 620151.

Submission:

Labcorp Genetics (formerly Invitae), Labcorp
Classification: Pathogenic for Wolman disease. Last evaluated: 2021-02-22. Review status: criteria provided, single submitter. Criteria: Invitae Variant Classification Sherloc (09022015). Collection method: clinical testing. Allele origin: germline.
Comment: This sequence change creates a premature translational stop signal (p.Pro285Leufs*46) in the LIPA gene. While this is not anticipated to result in nonsense mediated decay, it is expected to disrupt the last 115 amino acid(s) of the LIPA protein. This variant is not present in population databases (ExAC no frequency). This variant has not been reported in the literature in individuals with LIPA-related conditions. This variant disrupts the C-terminus of the LIPA protein. Other variant(s) that disrupt this region (p.Leu356*) have been determined to be pathogenic (PMID: 25852113). This suggests that variants that disrupt this region of the protein are likely to be causative of disease. For these reasons, this variant has been classified as Pathogenic.

Literature cited by the submitters: PubMed 25852113.